The following is an entry in ClinVar:

NM_006904.7(PRKDC):c.2500C>A (p.Leu834Met)

Gene: PRKDC (protein kinase, DNA-activated, catalytic subunit; minus strand). Cytogenetic location: 8q11.21.
Variant type: single nucleotide variant.
Coding change: c.2500C>A on transcript NM_006904.7 (MANE Select); coding-DNA position 2500, C replaced by A.
Protein change: p.Leu834Met; replaces leucine 834 with methionine.
Molecular consequence: missense variant.
Genome position (GRCh38, 1-based): chr8:47,918,303, G>T on the plus strand (C>A on the coding strand, the complement: PRKDC is on the minus strand). VCF-style: chr8-47918303-G-T. GRCh37 (hg19) VCF-style: chr8-48830863-G-T.
Other names: c.2500C>A, p.Leu834Met (NM_001081640.2); short protein forms L834M.
Identifiers: ClinVar variation 1043937 (VCV001043937.7), dbSNP rs2090019982, ClinGen allele CA371160346.

ClinVar aggregate classification (germline): Uncertain significance (1 of 4 stars; one submission).

Conditions:
Severe combined immunodeficiency due to DNA-PKcs deficiency. Also called: IMMUNODEFICIENCY 26 WITH NEUROLOGIC ABNORMALITIES; Immunodeficiency 26 with or without neurologic abnormalities. Identifiers: Orphanet 317425, MedGen C4014833, MONDO:0014423, OMIM 615966.

Allele frequency attached by ClinVar (database versions not stated): gnomAD exomes below 0.00001.
gnomAD v4.1: 1 of 1,589,580 alleles (0.000063%); highest among the groups gnomAD compares: South Asian, 0.0012%; no homozygotes.

Submission:

Labcorp Genetics (formerly Invitae), Labcorp
Classification: Uncertain significance for Severe combined immunodeficiency due to DNA-PKcs deficiency. Last evaluated: 2020-06-26. Review status: criteria provided, single submitter. Criteria: Invitae Variant Classification Sherloc (09022015). Collection method: clinical testing. Allele origin: germline.
Comment: In summary, the available evidence is currently insufficient to determine the role of this variant in disease. Therefore, it has been classified as a Variant of Uncertain Significance. Experimental studies and prediction algorithms are not available or were not evaluated, and the functional significance of this variant is currently unknown. This variant has not been reported in the literature in individuals with PRKDC-related conditions. This variant is not present in population databases (ExAC no frequency). This sequence change replaces leucine with methionine at codon 834 of the PRKDC protein (p.Leu834Met). The leucine residue is highly conserved and there is a small physicochemical difference between leucine and methionine.